The following is an entry in ClinVar:

ClinVar aggregate classification (germline): Uncertain significance (1 of 4 stars; one submission).

Conditions:
Neuropathy, hereditary sensory and autonomic, type 2A (HSAN2A). Also called: HSAN IIA; WNK1-Related HSAN2 (HSAN2A); ACROOSTEOLYSIS, GIACCAI TYPE; ACROOSTEOLYSIS, NEUROGENIC; MORVAN DISEASE; NEUROPATHY, CONGENITAL SENSORY. Identifiers: Orphanet 970, MedGen C2752089, MONDO:0024309, OMIM 201300.
Pseudohypoaldosteronism type 2C (PHA2C). Also called: Pseudohypoaldosteronism Type IIC. Identifiers: Orphanet 757, Orphanet 88940, MedGen C1840391, MONDO:0013778, OMIM 614492.

Allele frequency attached by ClinVar (database versions not stated): TOPMed 0.00001.
gnomAD v4.1: 4 of 1,614,148 alleles (0.00025%); highest among the groups gnomAD compares: Non-Finnish European, 0.00034%; no homozygotes.

Submission:

Labcorp Genetics (formerly Invitae), Labcorp
Classification: Uncertain significance for Neuropathy, hereditary sensory and autonomic, type 2A; Pseudohypoaldosteronism type 2C. Last evaluated: 2022-12-15. Review status: criteria provided, single submitter. Criteria: Invitae Variant Classification Sherloc (09022015). Collection method: clinical testing. Allele origin: germline.
Comment: This variant is present in population databases (no rsID available, gnomAD 0.0009%). This variant has not been reported in the literature in individuals affected with WNK1-related conditions. In summary, the available evidence is currently insufficient to determine the role of this variant in disease. Therefore, it has been classified as a Variant of Uncertain Significance. Advanced modeling of protein sequence and biophysical properties (such as structural, functional, and spatial information, amino acid conservation, physicochemical variation, residue mobility, and thermodynamic stability) performed at Invitae indicates that this missense variant is not expected to disrupt WNK1 protein function. This sequence change replaces alanine, which is neutral and non-polar, with valine, which is neutral and non-polar, at codon 2370 of the WNK1 protein (p.Ala2370Val).

NM_018979.4(WNK1):c.6353C>T (p.Ala2118Val)

Gene: WNK1 (WNK lysine deficient protein kinase 1; plus strand). Cytogenetic location: 12p13.33.
Variant type: single nucleotide variant.
Coding change: c.6353C>T on transcript NM_018979.4 (MANE Select); coding-DNA position 6353, C replaced by T.
Protein change: p.Ala2118Val; replaces alanine 2118 with valine.
Molecular consequence: missense variant.
Genome position (GRCh38, 1-based): chr12:897,586, C>T. VCF-style: chr12-897586-C-T. GRCh37 (hg19) VCF-style: chr12-1006752-C-T.
Other names: c.7133C>T, p.Ala2378Val (NM_001184985.2); c.5609C>T, p.Ala1870Val (NM_014823.3); c.7109C>T, p.Ala2370Val (NM_213655.5); short protein forms A2118V, A2370V, A2378V, A1870V.
Identifiers: ClinVar variation 2929557 (VCV002929557.3), dbSNP rs1471274454, ClinGen allele CA383337245.
Genomic context (GRCh38, chr12:897,586, plus strand): 5'-TTGAATCTTTGTATACCAAACTGGGCAAGGTGCCCCCTGCTGTTATTATTCCCCCAGCTG[C>T]TCCCCTTTCAGGGAGAAGACGACGACCCACTAAAAGCAAAGGCAGCAAATCTAGTCGAAG-3'
Protein context (NP_061852.3, residues 2108-2128): VPPAVIIPPA[Ala2118Val]PLSGRRRRPT